The following is an entry in ClinVar:

ClinVar aggregate classification (germline): Uncertain significance (1 of 4 stars; one submission).

Conditions:
Long QT syndrome (LQTS). Identifiers: MedGen C0023976, MeSH D008133, MONDO:0002442. Disease mechanism: loss of function. Inheritance: Various modes of inheritance.

Allele frequency attached by ClinVar (database versions not stated): ExAC 0.00001; gnomAD 0.00001; gnomAD exomes 0.00001; TOPMed 0.00002; 1000 Genomes Project 30x 0.00016; 1000 Genomes Project 0.00020.
gnomAD v4.1: 13 of 1,611,830 alleles (0.00081%); highest among the groups gnomAD compares: East Asian, 0.0089%; no homozygotes.

Submission:

Labcorp Genetics (formerly Invitae), Labcorp
Classification: Uncertain significance for Long QT syndrome. Last evaluated: 2024-09-25. Review status: criteria provided, single submitter. Criteria: Invitae Variant Classification Sherloc (09022015). Collection method: clinical testing. Allele origin: germline.
Comment: This sequence change replaces arginine, which is basic and polar, with histidine, which is basic and polar, at codon 1889 of the CACNA1C protein (p.Arg1889His). This variant is present in population databases (rs574292274, gnomAD 0.007%). This variant has not been reported in the literature in individuals affected with CACNA1C-related conditions. ClinVar contains an entry for this variant (Variation ID: 1379008). Invitae Evidence Modeling of protein sequence and biophysical properties (such as structural, functional, and spatial information, amino acid conservation, physicochemical variation, residue mobility, and thermodynamic stability) indicates that this missense variant is not expected to disrupt CACNA1C protein function with a negative predictive value of 95%. In summary, the available evidence is currently insufficient to determine the role of this variant in disease. Therefore, it has been classified as a Variant of Uncertain Significance.

NM_000719.7(CACNA1C):c.5666G>A (p.Arg1889His)

Genes: CACNA1C (calcium voltage-gated channel subunit alpha1 C; plus strand), CACNA1C-AS1 (CACNA1C antisense RNA 1; minus strand). Cytogenetic location: 12p13.33.
Variant type: single nucleotide variant.
Coding change: c.5666G>A on transcript NM_000719.7 (MANE Select); coding-DNA position 5666, G replaced by A.
Protein change: p.Arg1889His; replaces arginine 1889 with histidine.
Molecular consequence: missense variant.
Genome position (GRCh38, 1-based): chr12:2,685,828, G>A. VCF-style: chr12-2685828-G-A. GRCh37 (hg19) VCF-style: chr12-2794994-G-A.
Other names: c.5810G>A, p.Arg1937His (NM_001129827.2); c.5789G>A, p.Arg1930His (NM_001129829.2); c.5771G>A, p.Arg1924His (NM_001129830.3, NM_001167624.3); c.5750G>A, p.Arg1917His (NM_001129831.2); c.5726G>A, p.Arg1909His (NM_001129832.2); c.5723G>A, p.Arg1908His (NM_001129833.2, NM_001129834.2, NM_001129835.2); c.5717G>A, p.Arg1906His (NM_001129836.2); c.5690G>A, p.Arg1897His (NM_001129837.2, NM_001129838.2); and 6 more; short protein forms R1906H, R1886H, R1897H, R1909H, R1917H, R1924H, R1930H, R1895H.
Identifiers: ClinVar variation 1379008 (VCV001379008.5), dbSNP rs574292274, ClinGen allele CA6389920.